The following is an entry in ClinVar:

NM_000059.4(BRCA2):c.5227dup (p.Ser1743fs)

Gene: BRCA2 (BRCA2 DNA repair associated; plus strand). Cytogenetic location: 13q13.1.
Variant type: Duplication.
Coding change: c.5227dup on transcript NM_000059.4 (MANE Select); coding-DNA position 5227, one base duplicated (A; older notation c.5227dupA).
Protein change: p.Ser1743fs; shifts the reading frame from serine 1743.
Molecular consequence: frameshift variant. On other transcripts: non-coding transcript variant (1), intron variant (2).
Genome position (GRCh38, 1-based): chr13:32,339,582, A duplicated. VCF-style (leftmost placement, unchanged base first): chr13-32339581-C-CA. GRCh37 (hg19) VCF-style: chr13-32913718-C-CA.
Other names: c.5227dup, p.Ser1743fs (NM_001406719.1, NM_001406720.1); c.1910-4976dup (NM_001406721.1); c.425-4976dup (NM_001406722.1); short protein forms S1743fs.
Identifiers: ClinVar variation 2752487 (VCV002752487.4), dbSNP rs2548530276, ClinGen allele CA2697551798.

ClinVar aggregate classification (germline): Pathogenic. Review status: criteria provided, multiple submitters, no conflicts (2 of 4 stars). 2 submissions from 2 submitters: Pathogenic (2). Last evaluated 2024-05-28.

Conditions:
Breast-ovarian cancer, familial, susceptibility to, 2 (BROVCA2). Also called: BRCA2 Hereditary Breast and Ovarian Cancer. Identifiers: Orphanet 145, MedGen C2675520, MONDO:0012933, OMIM 612555. Disease mechanism: loss of function.
Hereditary breast ovarian cancer syndrome. Also called: Hereditary breast and ovarian cancer; Hereditary breast and/or ovarian cancer syndrome; BRCA1- and BRCA2-Associated Hereditary Breast and Ovarian Cancer; Breast and ovarian cancer; Hereditary breast and ovarian cancer syndrome (HBOC); Hereditary breast and ovarian cancer syndrome. Identifiers: Orphanet 145, MedGen C0677776, MeSH D061325, MONDO:0003582. Disease mechanism: loss of function.

Submissions (2):

Myriad Genetics, Inc.
Classification: Pathogenic for Breast-ovarian cancer, familial, susceptibility to, 2. Last evaluated: 2024-05-28. Review status: criteria provided, single submitter. Criteria: Myriad Autosomal Dominant, Autosomal Recessive and X-Linked Classification Criteria (2023). Collection method: clinical testing. Allele origin: unknown.
Comment: This variant is considered pathogenic. This variant creates a frameshift predicted to result in premature protein truncation.

Labcorp Genetics (formerly Invitae), Labcorp
Classification: Pathogenic for Hereditary breast ovarian cancer syndrome. Last evaluated: 2023-08-14. Review status: criteria provided, single submitter. Criteria: Invitae Variant Classification Sherloc (09022015). Collection method: clinical testing. Allele origin: germline.
Comment: This sequence change creates a premature translational stop signal (p.Ser1743Lysfs*2) in the BRCA2 gene. It is expected to result in an absent or disrupted protein product. Loss-of-function variants in BRCA2 are known to be pathogenic (PMID: 20104584). This variant is not present in population databases (gnomAD no frequency). This variant has not been reported in the literature in individuals affected with BRCA2-related conditions. For these reasons, this variant has been classified as Pathogenic.

Literature cited by the submitters: PubMed 20104584 (cited by Labcorp Genetics (formerly Invitae), Labcorp).